The following is an entry in ClinVar:

NM_002029.4(FPR1):c.739G>A (p.Ala247Thr)

Gene: FPR1 (formyl peptide receptor 1; minus strand). Cytogenetic location: 19q13.41.
Variant type: single nucleotide variant.
Coding change: c.739G>A on transcript NM_002029.4 (MANE Select); coding-DNA position 739, G replaced by A.
Protein change: p.Ala247Thr; replaces alanine 247 with threonine.
Molecular consequence: missense variant.
Genome position (GRCh38, 1-based): chr19:51,746,256, C>T on the plus strand (G>A on the coding strand, the complement: FPR1 is on the minus strand). VCF-style: chr19-51746256-C-T. GRCh37 (hg19) VCF-style: chr19-52249509-C-T.
Other names: c.739G>A, p.Ala247Thr (NM_001193306.2); short protein forms A247T.
Identifiers: ClinVar variation 2717624 (VCV002717624.3), dbSNP rs764370052, ClinGen allele CA9616392.

ClinVar aggregate classification (germline): Uncertain significance (1 of 4 stars; one submission).

Conditions:
Gingival disorder. Also called: Gingival disease. Identifiers: MedGen C0017563, MONDO:0002021.

Allele frequency attached by ClinVar (database versions not stated): TOPMed below 0.00001; gnomAD 0.00001; ExAC 0.00002; gnomAD exomes 0.00002.

Submission:

Labcorp Genetics (formerly Invitae), Labcorp
Classification: Uncertain significance for Gingival disorder. Last evaluated: 2025-02-01. Review status: criteria provided, single submitter. Criteria: Invitae Variant Classification Sherloc (09022015). Collection method: clinical testing. Allele origin: germline.
Comment: This sequence change replaces alanine, which is neutral and non-polar, with threonine, which is neutral and polar, at codon 247 of the FPR1 protein (p.Ala247Thr). This variant is present in population databases (rs764370052, gnomAD 0.02%). This variant has not been reported in the literature in individuals affected with FPR1-related conditions. ClinVar contains an entry for this variant (Variation ID: 2717624). An algorithm developed to predict the effect of missense changes on protein structure and function (PolyPhen-2) suggests that this variant is likely to be tolerated. In summary, the available evidence is currently insufficient to determine the role of this variant in disease. Therefore, it has been classified as a Variant of Uncertain Significance.